The following is an entry in ClinVar:

ClinVar aggregate classification (germline): Benign (1 of 4 stars; one submission).

Conditions:
Polycystic liver disease 2 (PCLD2). Also called: Polycystic liver disease 2 with or without kidney cysts. Identifiers: Orphanet 2924, MedGen C4310769, MONDO:0014860, OMIM 617004.

Allele frequency attached by ClinVar (database versions not stated): gnomAD 0.00317 and 0.00334; TOPMed 0.00359; 1000 Genomes Project 0.00359; 1000 Genomes Project 30x 0.00390.

Submission:

Illumina Laboratory Services, Illumina
Classification: Benign for Polycystic liver disease 2. Last evaluated: 2018-01-13. Review status: criteria provided, single submitter. Criteria: ICSL Variant Classification Criteria 13 December 2019. Collection method: clinical testing. Allele origin: germline.
Comment: This variant was observed in the ICSL laboratory as part of a predisposition screen in an ostensibly healthy population. It had not been previously curated by ICSL or reported in the Human Gene Mutation Database (HGMD: prior to June 1st, 2018), and was therefore a candidate for classification through an automated scoring system. Utilizing variant allele frequency, disease prevalence and penetrance estimates, and inheritance mode, an automated score was calculated to assess if this variant is too frequent to cause the disease. Based on the score and internal cut-off values, a variant classified as benign is not then subjected to further curation. The score for this variant resulted in a classification of benign for this disease.

NM_007214.5(SEC63):c.*1839C>G

Gene: SEC63 (SEC63 homolog, protein translocation regulator; minus strand). Cytogenetic location: 6q21.
Variant type: single nucleotide variant.
Coding change: c.*1839C>G on transcript NM_007214.5 (MANE Select); 1839 bases downstream of the stop codon, C replaced by G.
Molecular consequence: 3 prime UTR variant.
Genome position (GRCh38, 1-based): chr6:107,869,865, G>C on the plus strand (C>G on the coding strand, the complement: SEC63 is on the minus strand). VCF-style: chr6-107869865-G-C. GRCh37 (hg19) VCF-style: chr6-108191069-G-C.
Identifiers: ClinVar variation 354862 (VCV000354862.5), dbSNP rs150031834, ClinGen allele CA10621153.